The following is an entry in ClinVar:

NM_000218.3(KCNQ1):c.928G>A (p.Val310Ile)

Gene: KCNQ1 (potassium voltage-gated channel subfamily Q member 1; plus strand). Cytogenetic location: 11p15.5.
Variant type: single nucleotide variant.
Coding change: c.928G>A on transcript NM_000218.3 (MANE Select); coding-DNA position 928, G replaced by A.
Protein change: p.Val310Ile; replaces valine 310 with isoleucine.
Molecular consequence: missense variant.
Genome position (GRCh38, 1-based): chr11:2,583,441, G>A. VCF-style: chr11-2583441-G-A. GRCh37 (hg19) VCF-style: chr11-2604671-G-A.
Other names: c.928G>A (LRG_287t1); c.928G>A, p.Val310Ile (NM_001406836.1); c.658G>A, p.Val220Ile (NM_001406837.1); c.484G>A, p.Val162Ile (NM_001406838.1); c.547G>A, p.Val183Ile (NM_181798.2); short protein forms V310I, V183I, V162I, V220I.
Identifiers: ClinVar variation 53133 (VCV000053133.11), dbSNP rs199472745, ClinGen allele CA008728.

ClinVar aggregate classification (germline): Likely pathogenic. Review status: criteria provided, multiple submitters, no conflicts (2 of 4 stars). 5 submissions from 5 submitters: Likely pathogenic (4). 1 of the submissions does not count toward it. Last evaluated 2023-09-20.

Conditions:
Cardiac arrhythmia. Also called: Arrhythmia; Cardiac rhythm disease. Identifiers: MedGen C0003811, MONDO:0007263, HP:0011675.
Familial long QT syndrome (RWS). Also called: Congenital long QT syndrome; Romano-Ward syndrome; VENTRICULAR FIBRILLATION WITH PROLONGED QT INTERVAL. Identifiers: Orphanet 768, MedGen C1141890, MONDO:0019171.
Long QT syndrome (LQTS). Identifiers: MedGen C0023976, MeSH D008133, MONDO:0002442. Disease mechanism: loss of function. Inheritance: Various modes of inheritance.

Allele frequency attached by ClinVar (database versions not stated): gnomAD exomes below 0.00001.

Submissions (5):

Color Diagnostics, LLC DBA Color Health
Classification: Likely pathogenic for Cardiac arrhythmia. Last evaluated: 2023-09-20. Review status: criteria provided, single submitter. Criteria: ACMG Guidelines, 2015. Collection method: clinical testing. Allele origin: germline.
Comment: This missense variant replaces valine with isoleucine at codon 310 in the KCNQ1 protein. This variant is found within the highly conserved pore-forming domain (a.a. 300-320). Rare non-truncating variants in this region have been shown to be significantly overrepresented in individuals with long QT syndrome (PMID: 32893267) Functional studies have shown that this variant moderately affects channel trafficking by retention of the mutant protein in the endoplasmic reticulum (PMID: 24912595) and causes a reduction in potassium channel current (PMID: 15051636, 15649981). This variant has been reported in several individuals affected long QT syndrome (PMID: 10973849, 15051636 , 17470695, 19490272, 24912595, 26318259). In two of these individuals, this variant was observed in compound heterozygous state with a known pathogenic KCNQ1 variant (PMID: 15051636 , 24912595). This variant has not been identified in the general population by the Genome Aggregation Database (gnomAD). Based on the available evidence, this variant is classified as Likely Pathogenic.

All of Us Research Program, National Institutes of Health
Classification: Likely pathogenic for Long QT syndrome. Last evaluated: 2023-08-16. Review status: criteria provided, single submitter. Criteria: ACMG Guidelines, 2015. Collection method: clinical testing. Allele origin: germline. Inheritance: Autosomal dominant inheritance. Observed: 2 variant alleles, 2 heterozygotes.
Comment: This variant has been reported in multiple individuals with Long QT syndrome (PMID: 10973849, 17470695, 19490272, 26318259, 29033053, 27041150, 31565860). This variant is located in a well-established functional domain of the protein where other pathogenic or likely pathogenic variants have been described (PMID: 32893267). This variant is absent from large population databases, including the Genome Aggregation Database. This variant is predicted to be deleterious by in silico analysis. Functional studies suggest that this variant results in a deleterious effect on the protein (PMID: 32893267, 15649981).

This study involves interpretation of variants in research participants for the purpose of population health screening. Participant phenotype was not available at the time of variant classification. Additional details can be found in publication PMID: 35346344, PMCID: PMC8962531

Labcorp Genetics (formerly Invitae), Labcorp
Classification: Likely pathogenic for Long QT syndrome. Last evaluated: 2022-11-29. Review status: criteria provided, single submitter. Criteria: Invitae Variant Classification Sherloc (09022015). Collection method: clinical testing. Allele origin: germline.
Comment: This variant is not present in population databases (gnomAD no frequency). This sequence change replaces valine, which is neutral and non-polar, with isoleucine, which is neutral and non-polar, at codon 310 of the KCNQ1 protein (p.Val310Ile). In summary, the currently available evidence indicates that the variant is pathogenic, but additional data are needed to prove that conclusively. Therefore, this variant has been classified as Likely Pathogenic. Experimental studies have shown that this missense change affects KCNQ1 function (PMID: 15051636, 15649981, 24912595). Advanced modeling of protein sequence and biophysical properties (such as structural, functional, and spatial information, amino acid conservation, physicochemical variation, residue mobility, and thermodynamic stability) performed at Invitae indicates that this missense variant is expected to disrupt KCNQ1 protein function. ClinVar contains an entry for this variant (Variation ID: 53133). This missense change has been observed in individuals with long QT syndrome (PMID: 15051636, 19490272).

GeneDx
Classification: Likely pathogenic. Last evaluated: 2017-07-28. Review status: criteria provided, single submitter. Criteria: GeneDx Variant Classification (06012015). Collection method: clinical testing. Allele origin: germline. Affected: yes.
Comment: The V310I likely pathogenic variant in the KCNQ1 gene has been reported in several individuals with LQTS (Splawski et al., 2000; Moss et al., 2007), though detailed clinical and segregation information were not provided. Additionally, this variant is not observed in large population cohorts (Lek et al., 2016; 1000 Genomes Consortium et al., 2015; Exome Variant Server). Though the V310I variant is a conservative amino acid substitution, it occurs at a position that is conserved across species, and in silico analysis suggests that this variant is probably damaging to the protein structure/function. Furthermore, functional studies show that the V310I pathogenic variant results in partial loss of potassium channel function (Westenskow et al., 2004; Seebohm et al., 2005). Finally, multiple missense variants in nearby residues (W305S, W305L, G306R, V307M, T312I, G314S, Y315C, Y315S) are independently classified as likely pathogenic/pathogenic by GeneDx.

Cardiovascular Biomedical Research Unit, Royal Brompton & Harefield NHS Foundation Trust
No classification provided. Condition: Familial long QT syndrome. Review status: no classification provided. Collection method: literature only. Allele origin: germline. Not counted in ClinVar's aggregate classification.
Comment: This variant has been reported as associated with Long QT syndrome in the following publications (PMID:10973849;PMID:15051636;PMID:17470695;PMID:15649981). This is a literature report, and does not necessarily reflect the clinical interpretation of the Imperial College / Royal Brompton Cardiovascular Genetics laboratory.

Literature cited by the submitters: PubMed 10973849 (cited by 3 submitters); PubMed 15051636 (cited by 3 submitters); PubMed 15649981 (cited by 4 submitters); PubMed 17470695 (cited by 3 submitters); PubMed 19490272 (cited by 3 submitters); PubMed 24912595 (cited by Color Diagnostics, LLC DBA Color Health and Labcorp Genetics (formerly Invitae), Labcorp); PubMed 26318259 (cited by Color Diagnostics, LLC DBA Color Health and All of Us Research Program, National Institutes of Health); PubMed 32893267 (cited by Color Diagnostics, LLC DBA Color Health and All of Us Research Program, National Institutes of Health); PubMed 27041150 (cited by All of Us Research Program, National Institutes of Health); PubMed 29033053 (cited by All of Us Research Program, National Institutes of Health); PubMed 31565860 (cited by All of Us Research Program, National Institutes of Health); PubMed 22581653 (cited by Cardiovascular Biomedical Research Unit, Royal Brompton & Harefield NHS Foundation Trust).